The following is an entry in ClinVar:

ClinVar aggregate classification (germline): Uncertain significance. Review status: criteria provided, multiple submitters, no conflicts (2 of 4 stars). 2 submissions from 2 submitters: Uncertain significance (2). Last evaluated 2026-07-19.

Conditions:
Inborn genetic diseases. Identifiers: MedGen C0950123, MeSH D030342.
Pitt-Hopkins-like syndrome 2 (PTHSL2). Identifiers: Orphanet 221150, Orphanet 600663, MedGen C3280479, MONDO:0013690, OMIM 614325.

Submissions (2):

Ambry Genetics
Classification: Uncertain significance for Inborn genetic diseases. Last evaluated: 2026-07-19. Review status: criteria provided, single submitter. Criteria: Ambry Variant Classification Scheme 2023. Collection method: clinical testing. Allele origin: germline.

Labcorp Genetics (formerly Invitae), Labcorp
Classification: Uncertain significance for Pitt-Hopkins-like syndrome 2. Last evaluated: 2024-11-11. Review status: criteria provided, single submitter. Criteria: Invitae Variant Classification Sherloc (09022015). Collection method: clinical testing. Allele origin: germline.
Comment: This sequence change replaces isoleucine, which is neutral and non-polar, with lysine, which is basic and polar, at codon 282 of the NRXN1 protein (p.Ile282Lys). This variant is not present in population databases (gnomAD no frequency). This variant has not been reported in the literature in individuals affected with NRXN1-related conditions. ClinVar contains an entry for this variant (Variation ID: 1043742). An algorithm developed to predict the effect of missense changes on protein structure and function (PolyPhen-2) suggests that this variant is likely to be tolerated. In summary, the available evidence is currently insufficient to determine the role of this variant in disease. Therefore, it has been classified as a Variant of Uncertain Significance.

NM_001330078.2(NRXN1):c.772+1105T>A

Gene: NRXN1 (neurexin 1; minus strand). Cytogenetic location: 2p16.3.
Variant type: single nucleotide variant.
Coding change: c.772+1105T>A on transcript NM_001330078.2 (MANE Select); 1105 bases into the intron after coding-DNA position 772, T replaced by A.
Molecular consequence: intron variant. On other transcripts: missense variant (1).
Genome position (GRCh38, 1-based): chr2:51,026,397, A>T on the plus strand (T>A on the coding strand, the complement: NRXN1 is on the minus strand). VCF-style: chr2-51026397-A-T. GRCh37 (hg19) VCF-style: chr2-51253535-A-T.
Other names: c.845T>A (NM_001135659.1); c.845T>A, p.Ile282Lys (NM_001135659.3); c.772+1105T>A (NM_001330096.2, NM_001330087.2, NM_001330083.2 and 14 more transcripts); short protein forms I282K.
Identifiers: ClinVar variation 1043742 (VCV001043742.9), dbSNP rs1670475413, ClinGen allele CA346823080.